The following is an entry in ClinVar:

ClinVar aggregate classification (germline): Pathogenic (1 of 4 stars; one submission).

Conditions:
Cardiovascular phenotype. Identifiers: MedGen CN230736.

Submission:

Ambry Genetics
Classification: Pathogenic for Cardiovascular phenotype. Last evaluated: 2023-01-30. Review status: criteria provided, single submitter. Criteria: Ambry Variant Classification Scheme 2023. Collection method: clinical testing. Allele origin: germline.
Comment: The c.1276delG pathogenic mutation, located in coding exon 4 of the BAG3 gene, results from a deletion of one nucleotide at nucleotide position 1276, causing a translational frameshift with a predicted alternate stop codon (p.E426Kfs*14). This alteration occurs at the 3' terminus of theBAG3 gene, is not expected to trigger nonsense-mediated mRNA decay, and only impacts the last 26% of the protein. However, premature stop codons are typically deleterious in nature and the impacted region is critical for protein function and a significant portion of the protein is affected (Ambry internal data). This variant is also considered to be rare based on population cohorts in the Genome Aggregation Database (gnomAD). Based on the supporting evidence, this alteration is interpreted as a disease-causing mutation.

NM_004281.4(BAG3):c.1276del (p.Glu426fs)

Gene: BAG3 (BAG cochaperone 3; plus strand). Cytogenetic location: 10q26.11.
Variant type: Deletion.
Coding change: c.1276del on transcript NM_004281.4 (MANE Select); coding-DNA position 1276, one base deleted (G; older notation c.1276delG).
Protein change: p.Glu426fs; shifts the reading frame from glutamic acid 426.
Molecular consequence: frameshift variant.
Genome position (GRCh38, 1-based): chr10:119,676,830, G deleted; the last of 2 consecutive G bases (chr10:119,676,829-119,676,830); deleting either gives the same sequence. VCF-style (leftmost placement, unchanged base first): chr10-119676828-TG-T. GRCh37 (hg19) VCF-style: chr10-121436340-TG-T.
Other names: short protein forms E426fs.
Identifiers: ClinVar variation 2453005 (VCV002453005.2), dbSNP rs2494023585, ClinGen allele CA2580082437.